The following is an entry in ClinVar:

NM_020639.3(RIPK4):c.974C>T (p.Thr325Ile)

Gene: RIPK4 (receptor interacting serine/threonine kinase 4; minus strand). Cytogenetic location: 21q22.3.
Variant type: single nucleotide variant.
Coding change: c.974C>T on transcript NM_020639.3 (MANE Select); coding-DNA position 974, C replaced by T.
Protein change: p.Thr325Ile; replaces threonine 325 with isoleucine.
Molecular consequence: missense variant.
Genome position (GRCh38, 1-based): chr21:41,744,103, G>A on the plus strand (C>T on the coding strand, the complement: RIPK4 is on the minus strand). VCF-style: chr21-41744103-G-A. GRCh37 (hg19) VCF-style: chr21-43164263-G-A.
Other names: short protein forms T325I.
Identifiers: ClinVar variation 2652683 (VCV002652683.24), dbSNP rs751915794, ClinGen allele CA10035437.

ClinVar aggregate classification (germline): Likely benign (1 of 4 stars; one submission).

Allele frequency attached by ClinVar (database versions not stated): gnomAD 0.00001; gnomAD exomes 0.00001; ExAC 0.00002.
gnomAD v4.1: 8 of 1,606,830 alleles (0.0005%); highest among the groups gnomAD compares: Admixed American, 0.01%; no homozygotes.

Submission:

CeGaT Center for Human Genetics Tuebingen
Classification: Likely benign. Last evaluated: 2022-07-01. Review status: criteria provided, single submitter. Criteria: CeGaT Center For Human Genetics Tuebingen Variant Classification Criteria Version 2. Collection method: clinical testing. Allele origin: germline. Affected: yes. Observed: 1 variant allele.
Comment: RIPK4: BP4